The following is an entry in ClinVar:

ClinVar aggregate classification (germline): Uncertain significance. Review status: criteria provided, multiple submitters, no conflicts (2 of 4 stars). 3 submissions from 3 submitters: Uncertain significance (3). Last evaluated 2026-07-07.

Conditions:
Cardiomyopathy (CMYO). Also called: Cardiomyopathies. Identifiers: Orphanet 167848, MedGen C0878544, MONDO:0004994, HP:0001638. Inheritance: Various modes of inheritance.
Hypertrophic cardiomyopathy. Also called: HYPERTROPHIC MYOCARDIOPATHY. Identifiers: Orphanet 217569, MedGen C0007194, MeSH D002312, MONDO:0005045, HP:0001639.
Cardiovascular phenotype. Identifiers: MedGen CN230736.

Allele frequency attached by ClinVar (database versions not stated): gnomAD 0.00001; gnomAD exomes 0.00001; TOPMed 0.00002; ExAC 0.00003; ESP Exome Variant Server 0.00015.
gnomAD v4.1: 17 of 1,605,676 alleles (0.0011%); highest among the groups gnomAD compares: Middle Eastern, 0.021%; no homozygotes.

Submissions (3):

Ambry Genetics
Classification: Uncertain significance for Cardiovascular phenotype. Last evaluated: 2026-07-07. Review status: criteria provided, single submitter. Criteria: Ambry Variant Classification Scheme 2023. Collection method: clinical testing. Allele origin: germline.
Comment: The p.V1200M variant (also known as c.3598G>A), located in coding exon 25 of the MYH7 gene, results from a G to A substitution at nucleotide position 3598. The valine at codon 1200 is replaced by methionine, an amino acid with highly similar properties. This amino acid position is highly conserved in available vertebrate species. In addition, the in silico prediction for this alteration is inconclusive. Based on the available evidence, the clinical significance of this alteration remains unclear.

Labcorp Genetics (formerly Invitae), Labcorp
Classification: Uncertain significance for Hypertrophic cardiomyopathy. Last evaluated: 2026-01-01. Review status: criteria provided, single submitter. Criteria: Invitae Variant Classification Sherloc (09022015). Collection method: clinical testing. Allele origin: germline.
Comment: This sequence change replaces valine, which is neutral and non-polar, with methionine, which is neutral and non-polar, at codon 1200 of the MYH7 protein (p.Val1200Met). This variant is present in population databases (rs375283149, gnomAD 0.003%). This variant has not been reported in the literature in individuals affected with MYH7-related conditions. ClinVar contains an entry for this variant (Variation ID: 628675). Invitae Evidence Modeling of protein sequence and biophysical properties (such as structural, functional, and spatial information, amino acid conservation, physicochemical variation, residue mobility, and thermodynamic stability) indicates that this missense variant is expected to disrupt MYH7 protein function with a positive predictive value of 95%. In summary, the available evidence is currently insufficient to determine the role of this variant in disease. Therefore, it has been classified as a Variant of Uncertain Significance.

Color Diagnostics, LLC DBA Color Health
Classification: Uncertain significance for Cardiomyopathy. Last evaluated: 2024-03-06. Review status: criteria provided, single submitter. Criteria: ACMG Guidelines, 2015. Collection method: clinical testing. Allele origin: germline.
Comment: This missense variant replaces valine with methionine at codon 1200 of the MYH7 protein. Computational prediction is inconclusive regarding the impact of this variant on protein structure and function (internally defined REVEL score threshold 0.5 < inconclusive < 0.7, PMID: 27666373). To our knowledge, functional studies have not been reported for this variant. This variant has not been reported in individuals affected with cardiovascular disorders in the literature. This variant has been identified in 3/246572 chromosomes in the general population by the Genome Aggregation Database (gnomAD). The available evidence is insufficient to determine the role of this variant in disease conclusively. Therefore, this variant is classified as a Variant of Uncertain Significance.

NM_000257.4(MYH7):c.3598G>A (p.Val1200Met)

Gene: MYH7 (myosin heavy chain 7; minus strand). Cytogenetic location: 14q11.2.
Variant type: single nucleotide variant.
Coding change: c.3598G>A on transcript NM_000257.4 (MANE Select); coding-DNA position 3598, G replaced by A.
Protein change: p.Val1200Met; replaces valine 1200 with methionine.
Molecular consequence: missense variant.
Genome position (GRCh38, 1-based): chr14:23,419,973, C>T on the plus strand (G>A on the coding strand, the complement: MYH7 is on the minus strand). VCF-style: chr14-23419973-C-T. GRCh37 (hg19) VCF-style: chr14-23889182-C-T.
Other names: short protein forms V1200M.
Identifiers: ClinVar variation 628675 (VCV000628675.14), dbSNP rs375283149, ClinGen allele CA037979.
Genomic context (GRCh38, chr14:23,419,973, plus strand): 5'-CCTTCTCCAGCTTCTGCTTCACCCGCTGCAGGTTGTCGATCTGCTCGCCCAGCTCGGCCA[C>T]GCTGTCGGCGTGCTTCTTGCGCAGGGCCGCGGCAGTGGCCTCGTGCTGCAGCGTGGCCTC-3'
Protein context (NP_000248.2, residues 1190-1210): AALRKKHADS[Val1200Met]AELGEQIDNL